The following is an entry in ClinVar:

ClinVar aggregate classification (germline): Likely benign (1 of 4 stars; one submission).

Submission:

CeGaT Center for Human Genetics Tuebingen
Classification: Likely benign. Last evaluated: 2024-10-01. Review status: criteria provided, single submitter. Criteria: CeGaT Center For Human Genetics Tuebingen Variant Classification Criteria Version 2. Collection method: clinical testing. Allele origin: germline. Affected: yes. Observed: 1 variant allele.
Comment: CELA3A: BP4, BP7, BS2; ENSG00000285959: BS2

NM_005747.5(CELA3A):c.699C>T (p.His233=)

Gene: CELA3A (chymotrypsin like elastase 3A; plus strand). Cytogenetic location: 1p36.12.
Variant type: single nucleotide variant.
Coding change: c.699C>T on transcript NM_005747.5 (MANE Select); coding-DNA position 699, C replaced by T.
Protein change: p.His233=; no amino-acid change (histidine 233 retained).
Molecular consequence: synonymous variant.
Genome position (GRCh38, 1-based): chr1:22,009,761, C>T. VCF-style: chr1-22009761-C-T. GRCh37 (hg19) VCF-style: chr1-22336254-C-T.
Identifiers: ClinVar variation 3387967 (VCV003387967.14).